The following is an entry in ClinVar:

NM_001378452.1(ITPR1):c.3115G>C (p.Asp1039His)

Gene: ITPR1 (inositol 1,4,5-trisphosphate receptor type 1; plus strand). Cytogenetic location: 3p26.1.
Variant type: single nucleotide variant.
Coding change: c.3115G>C on transcript NM_001378452.1 (MANE Select); coding-DNA position 3115, G replaced by C.
Protein change: p.Asp1039His; replaces aspartic acid 1039 with histidine.
Molecular consequence: missense variant.
Genome position (GRCh38, 1-based): chr3:4,681,372, G>C. VCF-style: chr3-4681372-G-C. GRCh37 (hg19) VCF-style: chr3-4723056-G-C.
Other names: c.3088G>C, p.Asp1030His (NM_001099952.4); c.3070G>C, p.Asp1024His (NM_001168272.2); c.3043G>C, p.Asp1015His (NM_002222.7); c.3043G>C (NM_002222.6); short protein forms D1015H, D1024H, D1030H, D1039H.
Identifiers: ClinVar variation 804934 (VCV000804934.13), dbSNP rs771308450, ClinGen allele CA2231604.

ClinVar aggregate classification (germline): Uncertain significance. Review status: criteria provided, multiple submitters, no conflicts (2 of 4 stars). 5 submissions from 5 submitters: Uncertain significance (5). Last evaluated 2024-10-23.

Allele frequency attached by ClinVar (database versions not stated): gnomAD exomes below 0.00001; ExAC 0.00001; TOPMed 0.00001.
gnomAD v4.1: 16 of 1,612,168 alleles (0.00099%); highest among the groups gnomAD compares: Admixed American, 0.0033%; no homozygotes.

Submissions (5):

Labcorp Genetics (formerly Invitae), Labcorp
Classification: Uncertain significance. Last evaluated: 2024-10-23. Review status: criteria provided, single submitter. Criteria: Invitae Variant Classification Sherloc (09022015). Collection method: clinical testing. Allele origin: germline.
Comment: This sequence change replaces aspartic acid, which is acidic and polar, with histidine, which is basic and polar, at codon 1015 of the ITPR1 protein (p.Asp1015His). This variant is present in population databases (rs771308450, gnomAD 0.003%). This missense change has been observed in individual(s) with ITPR1-related conditions (PMID: 28191889). ClinVar contains an entry for this variant (Variation ID: 804934). Invitae Evidence Modeling of protein sequence and biophysical properties (such as structural, functional, and spatial information, amino acid conservation, physicochemical variation, residue mobility, and thermodynamic stability) has been performed for this missense variant. However, the output from this modeling did not meet the statistical confidence thresholds required to predict the impact of this variant on ITPR1 protein function. In summary, the available evidence is currently insufficient to determine the role of this variant in disease. Therefore, it has been classified as a Variant of Uncertain Significance.

GeneDx
Classification: Uncertain significance. Last evaluated: 2022-03-09. Review status: criteria provided, single submitter. Criteria: GeneDx Variant Classification Process June 2021. Collection method: clinical testing. Allele origin: germline. Affected: yes.
Comment: Reported in one individual in a large cohort of patients with neurodevelopmental disorders (Stessman et al., 2017); In silico analysis supports that this missense variant has a deleterious effect on protein structure/function; This variant is associated with the following publications: (PMID: 28191889)

Revvity Omics, Revvity
Classification: Uncertain significance. Last evaluated: 2021-12-23. Review status: criteria provided, single submitter. Criteria: ACMG Guidelines, 2015. Collection method: clinical testing. Allele origin: germline.

Blueprint Genetics
Classification: Uncertain significance. Last evaluated: 2021-09-22. Review status: criteria provided, single submitter. Criteria: ACMG Guidelines, 2015. Collection method: clinical testing. Allele origin: germline.

Athena Diagnostics
Classification: Uncertain significance. Last evaluated: 2018-12-24. Review status: criteria provided, single submitter. Criteria: Athena Diagnostics Criteria. Collection method: clinical testing. Allele origin: germline.

Literature cited by the submitters: PubMed 28191889 (cited by Labcorp Genetics (formerly Invitae), Labcorp).